The following is an entry in ClinVar:

NM_001261826.3(AP3D1):c.635G>C (p.Arg212Thr)

Gene: AP3D1 (adaptor related protein complex 3 subunit delta 1; minus strand). Cytogenetic location: 19p13.3.
Variant type: single nucleotide variant.
Coding change: c.635G>C on transcript NM_001261826.3 (MANE Select); coding-DNA position 635, G replaced by C.
Protein change: p.Arg212Thr; replaces arginine 212 with threonine.
Molecular consequence: missense variant.
Genome position (GRCh38, 1-based): chr19:2,129,415, C>G on the plus strand (G>C on the coding strand, the complement: AP3D1 is on the minus strand). VCF-style: chr19-2129415-C-G. GRCh37 (hg19) VCF-style: chr19-2129414-C-G.
Other names: c.635G>C, p.Arg212Thr (NM_001374799.1, NM_003938.8); short protein forms R212T.
Identifiers: ClinVar variation 4716462 (VCV004716462.1).

ClinVar aggregate classification (germline): Uncertain significance (1 of 4 stars; one submission).

Submission:

Labcorp Genetics (formerly Invitae), Labcorp
Classification: Uncertain significance. Last evaluated: 2025-03-31. Review status: criteria provided, single submitter. Criteria: Invitae Variant Classification Sherloc (09022015). Collection method: clinical testing. Allele origin: germline.
Comment: This sequence change replaces arginine, which is basic and polar, with threonine, which is neutral and polar, at codon 212 of the AP3D1 protein (p.Arg212Thr). This variant is not present in population databases (gnomAD no frequency). This variant has not been reported in the literature in individuals affected with AP3D1-related conditions. An algorithm developed to predict the effect of missense changes on protein structure and function (PolyPhen-2) suggests that this variant is likely to be disruptive. In summary, the available evidence is currently insufficient to determine the role of this variant in disease. Therefore, it has been classified as a Variant of Uncertain Significance.